The following is an entry in ClinVar:

ClinVar aggregate classification (germline): Uncertain significance. Review status: criteria provided, multiple submitters, no conflicts (2 of 4 stars). 2 submissions from 2 submitters: Uncertain significance (2). Last evaluated 2021-10-20.

Submissions (2):

Blueprint Genetics
Classification: Uncertain significance. Last evaluated: 2021-10-20. Review status: criteria provided, single submitter. Criteria: ACMG Guidelines, 2015. Collection method: clinical testing. Allele origin: germline.

Labcorp Genetics (formerly Invitae), Labcorp
Classification: Uncertain significance. Last evaluated: 2021-02-17. Review status: criteria provided, single submitter. Criteria: Invitae Variant Classification Sherloc (09022015). Collection method: clinical testing. Allele origin: germline.
Comment: This sequence change replaces glycine with glutamic acid at codon 183 of the C1QTNF5 protein (p.Gly183Glu). The glycine residue is highly conserved and there is a moderate physicochemical difference between glycine and glutamic acid. This variant is not present in population databases (ExAC no frequency). This variant has not been reported in the literature in individuals with C1QTNF5-related conditions. Algorithms developed to predict the effect of missense changes on protein structure and function (SIFT, PolyPhen-2, Align-GVGD) all suggest that this variant is likely to be disruptive, but these predictions have not been confirmed by published functional studies and their clinical significance is uncertain. In summary, the available evidence is currently insufficient to determine the role of this variant in disease. Therefore, it has been classified as a Variant of Uncertain Significance.

NM_001278431.2(C1QTNF5):c.548G>A (p.Gly183Glu)

Genes: C1QTNF5 (C1q and TNF related 5; minus strand), MFRP (membrane frizzled-related protein; minus strand). Cytogenetic location: 11q23.3.
Variant type: single nucleotide variant.
Coding change: c.548G>A on transcript NM_001278431.2 (MANE Select); coding-DNA position 548, G replaced by A.
Protein change: p.Gly183Glu; replaces glycine 183 with glutamic acid.
Molecular consequence: missense variant. On other transcripts: 3 prime UTR variant (1).
Genome position (GRCh38, 1-based): chr11:119,339,515, C>T on the plus strand (G>A on the coding strand, the complement: C1QTNF5 is on the minus strand). VCF-style: chr11-119339515-C-T. GRCh37 (hg19) VCF-style: chr11-119210225-C-T.
Other names: c.548G>A, p.Gly183Glu (NM_015645.5); c.*1444G>A (NM_031433.4); short protein forms G183E.
Identifiers: ClinVar variation 1481816 (VCV001481816.9), dbSNP rs557404721, ClinGen allele CA382968576.